The following is an entry in ClinVar:

ClinVar aggregate classification (germline): Uncertain significance. Review status: criteria provided, multiple submitters, no conflicts (2 of 4 stars). 2 submissions from 2 submitters: Uncertain significance (2). Last evaluated 2024-04-05.

Conditions:
Vitamin D-dependent rickets type II with alopecia (VDDR2A). Also called: Vitamin D-dependent rickets, type 2A; GENERALIZED RESISTANCE TO 1,25-DIHYDROXYVITAMIN D; HYPOCALCEMIC VITAMIN D-RESISTANT RICKETS; PDDR IIA; PSEUDOVITAMIN D-DEFICIENCY, TYPE IIA; RICKETS, HEREDITARY VITAMIN D-RESISTANT. Identifiers: Orphanet 93160, MedGen C0342646, MONDO:0010186, OMIM 277440.

Allele frequency attached by ClinVar (database versions not stated): gnomAD exomes below 0.00001; gnomAD 0.00001; TOPMed 0.00002.
gnomAD v4.1: 5 of 1,613,678 alleles (0.00031%); highest among the groups gnomAD compares: African/African-American, 0.004%; no homozygotes.

Submissions (2):

Fulgent Genetics
Classification: Uncertain significance for Vitamin D-dependent rickets type II with alopecia. Last evaluated: 2024-04-05. Review status: criteria provided, single submitter. Criteria: ACMG Guidelines, 2015. Collection method: clinical testing. Allele origin: germline.

Labcorp Genetics (formerly Invitae), Labcorp
Classification: Uncertain significance. Last evaluated: 2024-02-23. Review status: criteria provided, single submitter. Criteria: Invitae Variant Classification Sherloc (09022015). Collection method: clinical testing. Allele origin: germline.
Comment: This sequence change replaces aspartic acid, which is acidic and polar, with glycine, which is neutral and non-polar, at codon 86 of the VDR protein (p.Asp86Gly). This variant is not present in population databases (gnomAD no frequency). This variant has not been reported in the literature in individuals affected with VDR-related conditions. ClinVar contains an entry for this variant (Variation ID: 953840). Advanced modeling of protein sequence and biophysical properties (such as structural, functional, and spatial information, amino acid conservation, physicochemical variation, residue mobility, and thermodynamic stability) performed at Invitae indicates that this missense variant is not expected to disrupt VDR protein function with a negative predictive value of 80%. In summary, the available evidence is currently insufficient to determine the role of this variant in disease. Therefore, it has been classified as a Variant of Uncertain Significance.

NM_000376.3(VDR):c.257A>G (p.Asp86Gly)

Gene: VDR (vitamin D receptor; minus strand). Cytogenetic location: 12q13.11.
Variant type: single nucleotide variant.
Coding change: c.257A>G on transcript NM_000376.3 (MANE Select); coding-DNA position 257, A replaced by G.
Protein change: p.Asp86Gly; replaces aspartic acid 86 with glycine.
Molecular consequence: missense variant.
Genome position (GRCh38, 1-based): chr12:47,865,067, T>C on the plus strand (A>G on the coding strand, the complement: VDR is on the minus strand). VCF-style: chr12-47865067-T-C. GRCh37 (hg19) VCF-style: chr12-48258850-T-C.
Other names: c.257A>G, p.Asp86Gly (NM_001017535.2, NM_001364085.2, NM_001374661.1 and 1 more transcripts); c.407A>G, p.Asp136Gly (NM_001017536.2); short protein forms D86G, D136G.
Identifiers: ClinVar variation 953840 (VCV000953840.11), dbSNP rs534768058, ClinGen allele CA236476863.
Genomic context (GRCh38, chr12:47,865,067, plus strand): 5'-CACTTCAGGCCCAAACCCTGCCCAGCCCCTGGACACTCACACTCCTTCATCATGCCGATG[T>C]CCACACAGCGTTTGAGCCGGCAGGCCTGGCAGTGGCGTCGGTTGTCCTTGGTGATGCGGC-3'
Protein context (NP_000367.1, residues 76-96): CQACRLKRCV[Asp86Gly]IGMMKEFILT